The following is an entry in ClinVar:

NM_198407.2(GHSR):c.548G>C (p.Gly183Ala)

Gene: GHSR (growth hormone secretagogue receptor; minus strand). Cytogenetic location: 3q26.31.
Variant type: single nucleotide variant.
Coding change: c.548G>C on transcript NM_198407.2 (MANE Select); coding-DNA position 548, G replaced by C.
Protein change: p.Gly183Ala; replaces glycine 183 with alanine.
Molecular consequence: missense variant.
Genome position (GRCh38, 1-based): chr3:172,447,866, C>G on the plus strand (G>C on the coding strand, the complement: GHSR is on the minus strand). VCF-style: chr3-172447866-C-G. GRCh37 (hg19) VCF-style: chr3-172165656-C-G.
Other names: c.548G>C, p.Gly183Ala (NM_004122.2); short protein forms G183A.
Identifiers: ClinVar variation 2855648 (VCV002855648.3), dbSNP rs2473557303, ClinGen allele CA355514219.

ClinVar aggregate classification (germline): Uncertain significance (1 of 4 stars; one submission).

Submission:

Labcorp Genetics (formerly Invitae), Labcorp
Classification: Uncertain significance. Last evaluated: 2023-04-12. Review status: criteria provided, single submitter. Criteria: Invitae Variant Classification Sherloc (09022015). Collection method: clinical testing. Allele origin: germline.
Comment: This sequence change replaces glycine, which is neutral and non-polar, with alanine, which is neutral and non-polar, at codon 183 of the GHSR protein (p.Gly183Ala). In summary, the available evidence is currently insufficient to determine the role of this variant in disease. Therefore, it has been classified as a Variant of Uncertain Significance. Advanced modeling of protein sequence and biophysical properties (such as structural, functional, and spatial information, amino acid conservation, physicochemical variation, residue mobility, and thermodynamic stability) performed at Invitae indicates that this missense variant is expected to disrupt GHSR protein function. This variant has not been reported in the literature in individuals affected with GHSR-related conditions. This variant is not present in population databases (gnomAD no frequency).